The following is an entry in ClinVar:

NM_001844.5(COL2A1):c.664G>A (p.Gly222Arg)

Gene: COL2A1 (collagen type II alpha 1 chain; minus strand). Cytogenetic location: 12q13.11.
Variant type: single nucleotide variant.
Coding change: c.664G>A on transcript NM_001844.5 (MANE Select); coding-DNA position 664, G replaced by A.
Protein change: p.Gly222Arg; replaces glycine 222 with arginine.
Molecular consequence: missense variant.
Genome position (GRCh38, 1-based): chr12:47,995,754, C>T on the plus strand (G>A on the coding strand, the complement: COL2A1 is on the minus strand). VCF-style: chr12-47995754-C-T. GRCh37 (hg19) VCF-style: chr12-48389537-C-T.
Other names: c.457G>A, p.Gly153Arg (NM_033150.3); short protein forms G153R, G222R.
Identifiers: ClinVar variation 4759245 (VCV004759245.1).

ClinVar aggregate classification (germline): Likely pathogenic (1 of 4 stars; one submission).

Conditions:
Autosomal dominant COL2A1-related disorders.

Submission:

Variantyx, Inc.
Classification: Likely pathogenic for Autosomal dominant COL2A1-related disorders. Last evaluated: 2025-03-14. Review status: criteria provided, single submitter. Criteria: Variantyx Assertion Criteria 2022. Collection method: clinical testing. Allele origin: paternal. Affected: yes.
Comment: This is a nonsynonymous variant in the COL2A1 gene (OMIM: 120140). Pathogenic variants in this gene have been associated with autosomal dominant COL2A1-related disorders. This variant lies within a known hotspot for pathogenic variants or a well-established critical functional domain of the COL2A1 protein (PMID: 31021589) (PM1). Multiple computational algorithms predict a deleterious effect for this variant (REVEL score: 0.984) (PP3_Moderate). This variant is absent from control populations (PM2_Supporting). The clinical symptoms reported for this individual are highly specific for autosomal dominant COL2A1-related disorders, which has a limited genetic etiology (PP4). This variant has not been reported in individuals with COL2A1-related disorders in the databases available for review. Based on the current evidence, this variant is classified as likely pathogenic for autosomal dominant COL2A1-related disorders.